The following is an entry in ClinVar:

ClinVar aggregate classification (germline): Uncertain significance (1 of 4 stars; one submission).

Conditions:
Autoimmune lymphoproliferative syndrome type 1. Also called: AUTOIMMUNE LYMPHOPROLIFERATIVE SYNDROME, TYPE I, AUTOSOMAL DOMINANT. Identifiers: Orphanet 3261, MedGen C2717884, MONDO:0011158, OMIM 601859.

Submission:

Labcorp Genetics (formerly Invitae), Labcorp
Classification: Uncertain significance for Autoimmune lymphoproliferative syndrome. Last evaluated: 2024-03-01. Review status: criteria provided, single submitter. Criteria: Invitae Variant Classification Sherloc (09022015). Collection method: clinical testing. Allele origin: germline.
Comment: This sequence change affects codon 65 of the FAS mRNA. It is a 'silent' change, meaning that it does not change the encoded amino acid sequence of the FAS protein. It affects a nucleotide within the consensus splice site. This variant is present in population databases (no rsID available, gnomAD 0.0009%). This variant has not been reported in the literature in individuals affected with FAS-related conditions. ClinVar contains an entry for this variant (Variation ID: 2047175). Algorithms developed to predict the effect of sequence changes on RNA splicing suggest that this variant is not likely to affect RNA splicing. In summary, the available evidence is currently insufficient to determine the role of this variant in disease. Therefore, it has been classified as a Variant of Uncertain Significance.

NM_000043.6(FAS):c.195A>G (p.Pro65=)

Gene: FAS (Fas cell surface death receptor; plus strand). Cytogenetic location: 10q23.31.
Variant type: single nucleotide variant.
Coding change: c.195A>G on transcript NM_000043.6 (MANE Select); coding-DNA position 195, A replaced by G.
Protein change: p.Pro65=; no amino-acid change (proline 65 retained).
Molecular consequence: synonymous variant. On other transcripts: non-coding transcript variant (7).
Genome position (GRCh38, 1-based): chr10:89,003,193, A>G. VCF-style: chr10-89003193-A-G. GRCh37 (hg19) VCF-style: chr10-90762950-A-G.
Other names: c.195A>G, p.Pro65= (NM_001320619.2, NM_152871.4, NM_152872.4); c.240A>G, p.Pro80= (NM_001410956.1).
Identifiers: ClinVar variation 2047175 (VCV002047175.4), dbSNP rs1393672700, ClinGen allele CA470728369.